The following is an entry in ClinVar:

NM_000135.4(FANCA):c.1079G>A (p.Arg360His)

Gene: FANCA (FA complementation group A; minus strand). Cytogenetic location: 16q24.3.
Variant type: single nucleotide variant.
Coding change: c.1079G>A on transcript NM_000135.4 (MANE Select); coding-DNA position 1079, G replaced by A.
Protein change: p.Arg360His; replaces arginine 360 with histidine.
Molecular consequence: missense variant.
Genome position (GRCh38, 1-based): chr16:89,792,475, C>T on the plus strand (G>A on the coding strand, the complement: FANCA is on the minus strand). VCF-style: chr16-89792475-C-T. GRCh37 (hg19) VCF-style: chr16-89858883-C-T.
Other names: c.1079G>A, p.Arg360His (NM_001286167.3); short protein forms R360H.
Identifiers: ClinVar variation 1969336 (VCV001969336.6), dbSNP rs747141831, ClinGen allele CA8252542.

ClinVar aggregate classification (germline): Uncertain significance. Review status: criteria provided, multiple submitters, no conflicts (2 of 4 stars). 2 submissions from 2 submitters: Uncertain significance (2). Last evaluated 2024-09-18.

Conditions:
Fanconi anemia (FA). Also called: Fanconi's anemia. Identifiers: Orphanet 84, MedGen C0015625, MeSH D005199, MONDO:0019391.
Fanconi anemia complementation group A (FANCA). Also called: FANCA-Related Fanconi Anemia; Fanconi anemia, group A. Identifiers: Orphanet 84, MedGen C3469521, MONDO:0009215, OMIM 227650.

Allele frequency attached by ClinVar (database versions not stated): gnomAD 0.00002; TOPMed 0.00002; ExAC 0.00003.
gnomAD v4.1: 17 of 1,612,938 alleles (0.0011%); highest among the groups gnomAD compares: South Asian, 0.0066%; no homozygotes.

Submissions (2):

Labcorp Genetics (formerly Invitae), Labcorp
Classification: Uncertain significance for Fanconi anemia. Last evaluated: 2024-09-18. Review status: criteria provided, single submitter. Criteria: Invitae Variant Classification Sherloc (09022015). Collection method: clinical testing. Allele origin: germline.
Comment: This sequence change replaces arginine, which is basic and polar, with histidine, which is basic and polar, at codon 360 of the FANCA protein (p.Arg360His). This variant is present in population databases (rs747141831, gnomAD 0.01%). This variant has not been reported in the literature in individuals affected with FANCA-related conditions. ClinVar contains an entry for this variant (Variation ID: 1969336). Invitae Evidence Modeling of protein sequence and biophysical properties (such as structural, functional, and spatial information, amino acid conservation, physicochemical variation, residue mobility, and thermodynamic stability) indicates that this missense variant is not expected to disrupt FANCA protein function with a negative predictive value of 80%. In summary, the available evidence is currently insufficient to determine the role of this variant in disease. Therefore, it has been classified as a Variant of Uncertain Significance.

Fulgent Genetics
Classification: Uncertain significance for Fanconi anemia complementation group A. Last evaluated: 2024-02-12. Review status: criteria provided, single submitter. Criteria: ACMG Guidelines, 2015. Collection method: clinical testing. Allele origin: germline.